The following is an entry in ClinVar:

ClinVar aggregate classification (germline): Benign (3 of 4 stars; one submission).

Conditions:
Breast-ovarian cancer, familial, susceptibility to, 2 (BROVCA2). Also called: BRCA2 Hereditary Breast and Ovarian Cancer. Identifiers: Orphanet 145, MedGen C2675520, MONDO:0012933, OMIM 612555. Disease mechanism: loss of function.

Submission:

Evidence-based Network for the Interpretation of Germline Mutant Alleles (ENIGMA)
Classification: Benign for Breast-ovarian cancer, familial, susceptibility to, 2. Last evaluated: 2016-09-28. Review status: reviewed by expert panel. Criteria: ENIGMA BRCA1/2 Classification Criteria (2015). Collection method: curation. Allele origin: germline.
Comment: Class 1 not pathogenic based on frequency >1% in an outbred sampleset. Frequency 0.3171 (European), 0.3782 (African), 0.3847 (Admixed American/Latino), 0.2063 (East Asian), 0.3241 (South Asian), derived from 1000 genomes (2013-05-02).

NM_000059.4(BRCA2):c.317-1908_317-1907del

Gene: BRCA2 (BRCA2 DNA repair associated; plus strand). Cytogenetic location: 13q13.1.
Variant type: Deletion.
Coding change: c.317-1908_317-1907del on transcript NM_000059.4 (MANE Select); 1908 bases into the intron before coding-DNA position 317 through 1907 bases into the intron before coding-DNA position 317, 2 bases deleted (TT; older notation c.317-1908_317-1907delTT).
Molecular consequence: intron variant.
Genome position (GRCh38, 1-based): chr13:32,323,168-32,323,169, TT deleted; deleting any 2 consecutive bases within chr13:32,323,152-32,323,169 gives the same sequence; the c. name uses the placement nearest the transcript's 3' end. VCF-style (leftmost placement, unchanged base first): chr13-32323151-ATT-A. GRCh37 (hg19) VCF-style: chr13-32897288-ATT-A.
Identifiers: ClinVar variation 264973 (VCV000264973.1), dbSNP rs200414858, ClinGen allele CA10588070.